The following is an entry in ClinVar:

ClinVar aggregate classification (germline): Uncertain significance (1 of 4 stars; one submission).

Conditions:
Severe myoclonic epilepsy in infancy (DRVT). Also called: Epileptic encephalopathy, early infantile, 6 (Dravet syndrome); Dravet syndrome; SEVERE MYOCLONIC EPILEPSY OF INFANCY; DEVELOPMENTAL AND EPILEPTIC ENCEPHALOPATHY 6A; Severe Myoclonic Epilepsy in Infancy (SMEI). Identifiers: Orphanet 33069, MedGen C0751122, MONDO:0100135, OMIM 607208.

Allele frequency attached by ClinVar (database versions not stated): gnomAD 0.00001.
gnomAD v4.1: 1 of 1,613,700 alleles (0.000062%); highest among the groups gnomAD compares: Non-Finnish European, 0.000085%; no homozygotes.

Submission:

Labcorp Genetics (formerly Invitae), Labcorp
Classification: Uncertain significance for Severe myoclonic epilepsy in infancy. Last evaluated: 2021-09-01. Review status: criteria provided, single submitter. Criteria: Invitae Variant Classification Sherloc (09022015). Collection method: clinical testing. Allele origin: germline.
Comment: This sequence change replaces lysine with threonine at codon 394 of the SNX27 protein (p.Lys394Thr). The lysine residue is highly conserved and there is a moderate physicochemical difference between lysine and threonine. This variant is not present in population databases (ExAC no frequency). This variant has not been reported in the literature in individuals affected with SNX27-related conditions. Algorithms developed to predict the effect of missense changes on protein structure and function are either unavailable or do not agree on the potential impact of this missense change (SIFT: "Deleterious"; PolyPhen-2: "Possibly Damaging"; Align-GVGD: "Class C0"). In summary, the available evidence is currently insufficient to determine the role of this variant in disease. Therefore, it has been classified as a Variant of Uncertain Significance.

NM_001330723.2(SNX27):c.1181A>C (p.Lys394Thr)

Gene: SNX27 (sorting nexin 27; plus strand). Cytogenetic location: 1q21.3.
Variant type: single nucleotide variant.
Coding change: c.1181A>C on transcript NM_001330723.2 (MANE Select); coding-DNA position 1181, A replaced by C.
Protein change: p.Lys394Thr; replaces lysine 394 with threonine.
Molecular consequence: missense variant.
Genome position (GRCh38, 1-based): chr1:151,683,387, A>C. VCF-style: chr1-151683387-A-C. GRCh37 (hg19) VCF-style: chr1-151655863-A-C.
Other names: c.1181A>C, p.Lys394Thr (NM_030918.6); short protein forms K394T.
Identifiers: ClinVar variation 567645 (VCV000567645.6), dbSNP rs1558073082, ClinGen allele CA341969649.